The following is an entry in ClinVar:

NM_000186.4(CFH):c.2962G>T (p.Asp988Tyr)

Gene: CFH (complement factor H; plus strand). Cytogenetic location: 1q31.3.
Variant type: single nucleotide variant.
Coding change: c.2962G>T on transcript NM_000186.4 (MANE Select); coding-DNA position 2962, G replaced by T.
Protein change: p.Asp988Tyr; replaces aspartic acid 988 with tyrosine.
Molecular consequence: missense variant.
Genome position (GRCh38, 1-based): chr1:196,741,880, G>T. VCF-style: chr1-196741880-G-T. GRCh37 (hg19) VCF-style: chr1-196711010-G-T.
Other names: short protein forms D988Y.
Identifiers: ClinVar variation 2860743 (VCV002860743.3), dbSNP rs2529544824, ClinGen allele CA343981330.

ClinVar aggregate classification (germline): Uncertain significance (1 of 4 stars; one submission).

Submission:

Labcorp Genetics (formerly Invitae), Labcorp
Classification: Uncertain significance. Last evaluated: 2023-04-30. Review status: criteria provided, single submitter. Criteria: Invitae Variant Classification Sherloc (09022015). Collection method: clinical testing. Allele origin: germline.
Comment: This sequence change replaces aspartic acid, which is acidic and polar, with tyrosine, which is neutral and polar, at codon 988 of the CFH protein (p.Asp988Tyr). In summary, the available evidence is currently insufficient to determine the role of this variant in disease. Therefore, it has been classified as a Variant of Uncertain Significance. Algorithms developed to predict the effect of sequence changes on RNA splicing suggest that this variant may disrupt the consensus splice site. Algorithms developed to predict the effect of missense changes on protein structure and function output the following: SIFT: "Not Available"; PolyPhen-2: "Benign"; Align-GVGD: "Not Available". The tyrosine amino acid residue is found in multiple mammalian species, which suggests that this missense change does not adversely affect protein function. This variant has not been reported in the literature in individuals affected with CFH-related conditions. This variant is not present in population databases (gnomAD no frequency).